The following is an entry in ClinVar:

ClinVar aggregate classification (germline): Uncertain significance. Review status: criteria provided, multiple submitters, no conflicts (2 of 4 stars). 2 submissions from 2 submitters: Uncertain significance (2). Last evaluated 2023-08-10.

Allele frequency attached by ClinVar (database versions not stated): gnomAD exomes below 0.00001.
gnomAD v4.1: 1 of 1,613,426 alleles (0.000062%); highest among the groups gnomAD compares: Non-Finnish European, 0.000085%; no homozygotes.

Submissions (2):

GeneDx
Classification: Uncertain significance. Last evaluated: 2023-08-10. Review status: criteria provided, single submitter. Criteria: GeneDx Variant Classification Process June 2021. Collection method: clinical testing. Allele origin: germline. Affected: yes.
Comment: Not observed at significant frequency in large population cohorts (gnomAD); In silico analysis supports that this missense variant does not alter protein structure/function; Has not been previously published as pathogenic or benign to our knowledge; Variants in candidate genes are classified as variants of uncertain significance in accordance with ACMG guidelines (Richards et al., 2015)

Labcorp Genetics (formerly Invitae), Labcorp
Classification: Uncertain significance. Last evaluated: 2021-05-18. Review status: criteria provided, single submitter. Criteria: Invitae Variant Classification Sherloc (09022015). Collection method: clinical testing. Allele origin: germline.
Comment: Algorithms developed to predict the effect of missense changes on protein structure and function output the following: SIFT: "Tolerated"; PolyPhen-2: "Benign"; Align-GVGD: "Class C0". The serine amino acid residue is found in multiple mammalian species, suggesting that this missense change does not adversely affect protein function. These predictions have not been confirmed by published functional studies and their clinical significance is uncertain. In summary, the available evidence is currently insufficient to determine the role of this variant in disease. Therefore, it has been classified as a Variant of Uncertain Significance. This variant has not been reported in the literature in individuals with CCDC88A-related conditions. This variant is not present in population databases (ExAC no frequency). This sequence change replaces threonine with serine at codon 15 of the CCDC88A protein (p.Thr15Ser). The threonine residue is weakly conserved and there is a small physicochemical difference between threonine and serine.

NM_001365480.1(CCDC88A):c.44C>G (p.Thr15Ser)

Gene: CCDC88A (coiled-coil domain containing 88A; minus strand). Cytogenetic location: 2p16.1.
Variant type: single nucleotide variant.
Coding change: c.44C>G on transcript NM_001365480.1 (MANE Select); coding-DNA position 44, C replaced by G.
Protein change: p.Thr15Ser; replaces threonine 15 with serine.
Molecular consequence: missense variant.
Genome position (GRCh38, 1-based): chr2:55,419,036, G>C on the plus strand (C>G on the coding strand, the complement: CCDC88A is on the minus strand). VCF-style: chr2-55419036-G-C. GRCh37 (hg19) VCF-style: chr2-55646172-G-C.
Other names: c.44C>G, p.Thr15Ser (NM_001135597.2, NM_001254943.2, NM_018084.5); c.44C>G (NM_001135597.1); short protein forms T15S.
Identifiers: ClinVar variation 1351918 (VCV001351918.7), dbSNP rs2105017789, ClinGen allele CA346913208.